The following is an entry in ClinVar:

NM_001148.6(ANK2):c.7106T>C (p.Val2369Ala)

Genes: ANK2 (ankyrin 2; plus strand), LOC126807137 (CDK7 strongly-dependent group 2 enhancer GRCh37_chr4:114276560-114277759; plus strand). Cytogenetic location: 4q26.
Variant type: single nucleotide variant.
Coding change: c.7106T>C on transcript NM_001148.6 (MANE Select); coding-DNA position 7106, T replaced by C.
Protein change: p.Val2369Ala; replaces valine 2369 with alanine.
Molecular consequence: missense variant. On other transcripts: intron variant (68).
Genome position (GRCh38, 1-based): chr4:113,355,724, T>C. VCF-style: chr4-113355724-T-C. GRCh37 (hg19) VCF-style: chr4-114276880-T-C.
Other names: c.7106T>C (NM_001148.5); c.6872T>C, p.Val2291Ala (NM_001386142.1); c.3506T>C, p.Val1169Ala (NM_001386166.1); c.7247T>C, p.Val2416Ala (NM_001386174.1); c.7223T>C, p.Val2408Ala (NM_001386175.1); c.4412-5099T>C (NM_001386186.2, NM_001386148.2); c.4214-5099T>C (NM_001354269.3); c.4292-5099T>C (NM_001386187.2); and 36 more; short protein forms V2369A, V1169A, V2291A, V2408A, V2416A.
Identifiers: ClinVar variation 35690 (VCV000035690.36), dbSNP rs28377576, ClinGen allele CA199887.

ClinVar aggregate classification (germline): Benign/Likely benign. Review status: criteria provided, multiple submitters, no conflicts (2 of 4 stars). 14 submissions from 14 submitters: Benign (10); Likely benign (2). 2 of the submissions do not count toward it. Last evaluated 2026-09-21.

Conditions:
Cardiovascular phenotype. Identifiers: MedGen CN230736.
Cardiac arrhythmia. Also called: Arrhythmia; Cardiac rhythm disease. Identifiers: MedGen C0003811, MONDO:0007263, HP:0011675.
Long QT syndrome (LQTS). Identifiers: MedGen C0023976, MeSH D008133, MONDO:0002442. Disease mechanism: loss of function. Inheritance: Various modes of inheritance.
Cardiac arrhythmia, ankyrin-B-related. Also called: ANKYRIN-B SYNDROME. Identifiers: Orphanet 101016, Orphanet 768, MedGen C1970119, MONDO:0010958, OMIM 600919.

Allele frequency attached by ClinVar (database versions not stated): 1000 Genomes Project 30x 0.09697; TOPMed 0.12694; 1000 Genomes Project 0.09205; ExAC 0.09797; gnomAD 0.12654; ESP Exome Variant Server 0.13986.
gnomAD v4.1: 172,872 of 1,613,532 alleles (11%); highest among the groups gnomAD compares: African/African-American, 18%; 10,120 homozygotes.

Submissions (14):

Molecular Diagnostic Laboratory for Inherited Cardiovascular Disease, Montreal Heart Institute
Classification: Benign. Last evaluated: 2026-09-21. Review status: criteria provided, single submitter. Criteria: ACMG Guidelines, 2015. Collection method: clinical testing. Allele origin: germline. Affected: no.

Labcorp Genetics (formerly Invitae), Labcorp
Classification: Benign for Long QT syndrome. Last evaluated: 2026-02-04. Review status: criteria provided, single submitter. Criteria: Invitae Variant Classification Sherloc (09022015). Collection method: clinical testing. Allele origin: germline.

Blueprint Genetics
Classification: Benign. Last evaluated: 2024-11-26. Review status: criteria provided, single submitter. Criteria: ACMG Guidelines, 2015. Collection method: clinical testing. Allele origin: germline.

ARUP Laboratories, Molecular Genetics and Genomics, ARUP Laboratories
Classification: Benign. Last evaluated: 2023-11-29. Review status: criteria provided, single submitter. Criteria: ARUP Molecular Germline Variant Investigation Process 2024. Collection method: clinical testing. Allele origin: germline.

Genome-Nilou Lab
Classification: Benign for Cardiac arrhythmia, ankyrin-B-related. Last evaluated: 2021-12-05. Review status: criteria provided, single submitter. Criteria: ACMG Guidelines, 2015. Collection method: clinical testing. Allele origin: germline. Affected: no.

Ambry Genetics
Classification: Benign for Cardiovascular phenotype. Last evaluated: 2018-07-23. Review status: criteria provided, single submitter. Criteria: Ambry Variant Classification Scheme 2023. Collection method: clinical testing. Allele origin: germline.

Illumina Laboratory Services, Illumina
Classification: Benign for Cardiac arrhythmia, ankyrin-B-related. Last evaluated: 2018-01-12. Review status: criteria provided, single submitter. Criteria: ICSL Variant Classification Criteria 13 December 2019. Collection method: clinical testing. Allele origin: germline.
Comment: This variant was observed in the ICSL laboratory as part of a predisposition screen in an ostensibly healthy population. It had not been previously curated by ICSL or reported in the Human Gene Mutation Database (HGMD: prior to June 1st, 2018), and was therefore a candidate for classification through an automated scoring system. Utilizing variant allele frequency, disease prevalence and penetrance estimates, and inheritance mode, an automated score was calculated to assess if this variant is too frequent to cause the disease. Based on the score and internal cut-off values, a variant classified as benign is not then subjected to further curation. The score for this variant resulted in a classification of benign for this disease.

GeneDx
Classification: Benign. Last evaluated: 2015-03-03. Review status: criteria provided, single submitter. Criteria: GeneDx Variant Classification Process June 2021. Collection method: clinical testing. Allele origin: germline. Affected: yes.
Comment: This variant is associated with the following publications: (PMID: 30564305)

Biesecker Lab/Clinical Genomics Section, National Institutes of Health
Classification: Benign. Last evaluated: 2013-06-24. Review status: criteria provided, single submitter. Criteria: Ng et al. (Circ Cardiovasc Genet. 2013). Collection method: research. Allele origin: unknown. Observed: 192 variant alleles. Study: ClinSeq.
Comment: The study set was not selected for affection status in relation to any cancer. Pathogenicity categories were based on literature curation. See Pubmed ID:23861362 for details.

Medical sequencing

Women's Health and Genetics/Laboratory Corporation of America, LabCorp
Classification: Likely benign for Arrhythmia. Last evaluated: 2011-08-18. Review status: criteria provided, single submitter. Criteria: LabCorp Variant Classification Summary - May 2015. Collection method: clinical testing. Allele origin: not applicable. Inheritance: autosomal unknown.
ClinVar note: Converted during submission from likely benign to Likely benign.

Breakthrough Genomics
Classification: Likely benign. Review status: criteria provided, single submitter. Criteria: ACMG Guidelines, 2015. Collection method: not provided. Allele origin: germline. Inheritance: Autosomal dominant inheritance. Affected: yes.

PreventionGenetics, part of Exact Sciences
Classification: Benign. Review status: criteria provided, single submitter. Criteria: ACMG Guidelines, 2015. Collection method: clinical testing. Allele origin: germline.

Clinical Genetics, Academic Medical Center
Classification: Benign. Review status: no assertion criteria provided. Collection method: clinical testing. Allele origin: germline. Affected: yes. Study: VKGL Data-share Consensus. Not counted in ClinVar's aggregate classification.

Diagnostic Laboratory, Department of Genetics, University Medical Center Groningen
Classification: Benign for Cardiac arrhythmia, ankyrin-B-related. Review status: no assertion criteria provided. Collection method: clinical testing. Allele origin: germline. Affected: yes. Study: VKGL Data-share Consensus. Not counted in ClinVar's aggregate classification.

Literature cited by the submitters: PubMed 17161064 (cited by Women's Health and Genetics/Laboratory Corporation of America, LabCorp).